The following is an entry in ClinVar:

NM_005060.4(RORC):c.156+60G>A

Gene: RORC (RAR related orphan receptor C; minus strand). Cytogenetic location: 1q21.3.
Variant type: single nucleotide variant.
Coding change: c.156+60G>A on transcript NM_005060.4 (MANE Select); 60 bases into the intron after coding-DNA position 156, G replaced by A.
Molecular consequence: intron variant.
Genome position (GRCh38, 1-based): chr1:151,817,135, C>T on the plus strand (G>A on the coding strand, the complement: RORC is on the minus strand). VCF-style: chr1-151817135-C-T. GRCh37 (hg19) VCF-style: chr1-151789611-C-T.
Other names: c.93+60G>A (NM_001001523.2).
Identifiers: ClinVar variation 2688082 (VCV002688082.2), dbSNP rs55841824, ClinGen allele CA30500481.

ClinVar aggregate classification (germline): Benign (1 of 4 stars; one submission).

Allele frequency attached by ClinVar (database versions not stated): 1000 Genomes Project 0.78534; gnomAD 0.82620.

Submission:

Unidad de Genómica Garrahan, Hospital de Pediatría Garrahan
Classification: Benign. Last evaluated: 2024-01-24. Review status: criteria provided, single submitter. Criteria: ACMG Guidelines, 2015. Collection method: clinical testing. Allele origin: germline. Affected: no. Observed: 54 variant alleles.
Comment: This variant is classified as Benign based on local population frequency. This variant was detected in 57% of patients studied by a panel of primary immunodeficiencies. Number of patients: 54. Only high quality variants are reported.